The following is an entry in ClinVar:

NM_003764.4(STX11):c.764A>C (p.Tyr255Ser)

Gene: STX11 (syntaxin 11; plus strand). Cytogenetic location: 6q24.2.
Variant type: single nucleotide variant.
Coding change: c.764A>C on transcript NM_003764.4 (MANE Select); coding-DNA position 764, A replaced by C.
Protein change: p.Tyr255Ser; replaces tyrosine 255 with serine.
Molecular consequence: missense variant.
Genome position (GRCh38, 1-based): chr6:144,187,391, A>C. VCF-style: chr6-144187391-A-C. GRCh37 (hg19) VCF-style: chr6-144508528-A-C.
Other names: p.Tyr255Ser; short protein forms Y255S.
Identifiers: ClinVar variation 939942 (VCV000939942.10), dbSNP rs758653019, ClinGen allele CA365950066.

ClinVar aggregate classification (germline): Uncertain significance. Review status: criteria provided, multiple submitters, no conflicts (2 of 4 stars). 2 submissions from 2 submitters: Uncertain significance (2). Last evaluated 2024-02-20.

Conditions:
Familial hemophagocytic lymphohistiocytosis 4 (FHL4). Also called: STX11-Related Familial Hemophagocytic Lymphohistiocytosis (STX11-fHLH). Identifiers: Orphanet 540, MedGen C1863728, MONDO:0011336, OMIM 603552.

Submissions (2):

Mayo Clinic Laboratories, Mayo Clinic
Classification: Uncertain significance. Last evaluated: 2024-02-20. Review status: criteria provided, single submitter. Criteria: ACMG Guidelines, 2015. Collection method: clinical testing. Allele origin: germline. Observed: 1 variant allele.
Comment: PM2

Labcorp Genetics (formerly Invitae), Labcorp
Classification: Uncertain significance for Familial hemophagocytic lymphohistiocytosis 4. Last evaluated: 2022-01-28. Review status: criteria provided, single submitter. Criteria: Invitae Variant Classification Sherloc (09022015). Collection method: clinical testing. Allele origin: germline.
Comment: In summary, the available evidence is currently insufficient to determine the role of this variant in disease. Therefore, it has been classified as a Variant of Uncertain Significance. Algorithms developed to predict the effect of missense changes on protein structure and function are either unavailable or do not agree on the potential impact of this missense change (SIFT: "Tolerated"; PolyPhen-2: "Probably Damaging"; Align-GVGD: "Class C0"). ClinVar contains an entry for this variant (Variation ID: 939942). This variant has not been reported in the literature in individuals affected with STX11-related conditions. This variant is not present in population databases (gnomAD no frequency). This sequence change replaces tyrosine, which is neutral and polar, with serine, which is neutral and polar, at codon 255 of the STX11 protein (p.Tyr255Ser).